The following is an entry in ClinVar:

NM_032228.6(FAR1):c.888A>C (p.Arg296Ser)

Gene: FAR1 (fatty acyl-CoA reductase 1; plus strand). Cytogenetic location: 11p15.3.
Variant type: single nucleotide variant.
Coding change: c.888A>C on transcript NM_032228.6 (MANE Select); coding-DNA position 888, A replaced by C.
Protein change: p.Arg296Ser; replaces arginine 296 with serine.
Molecular consequence: missense variant.
Genome position (GRCh38, 1-based): chr11:13,712,966, A>C. VCF-style: chr11-13712966-A-C. GRCh37 (hg19) VCF-style: chr11-13734513-A-C.
Other names: short protein forms R296S.
Identifiers: ClinVar variation 1720765 (VCV001720765.6), dbSNP rs2500136496, ClinGen allele CA379857942.

ClinVar aggregate classification (germline): Uncertain significance (1 of 4 stars; one submission).

Submission:

Labcorp Genetics (formerly Invitae), Labcorp
Classification: Uncertain significance. Last evaluated: 2022-11-02. Review status: criteria provided, single submitter. Criteria: Invitae Variant Classification Sherloc (09022015). Collection method: clinical testing. Allele origin: germline.
Comment: This variant has not been reported in the literature in individuals affected with FAR1-related conditions. In summary, the available evidence is currently insufficient to determine the role of this variant in disease. Therefore, it has been classified as a Variant of Uncertain Significance. Algorithms developed to predict the effect of missense changes on protein structure and function are either unavailable or do not agree on the potential impact of this missense change (SIFT: "Deleterious"; PolyPhen-2: "Benign"; Align-GVGD: "Class C0"). This variant is not present in population databases (gnomAD no frequency). This sequence change replaces arginine, which is basic and polar, with serine, which is neutral and polar, at codon 296 of the FAR1 protein (p.Arg296Ser).